The following is an entry in ClinVar:

NM_016507.4(CDK12):c.1109G>A (p.Ser370Asn)

Gene: CDK12 (cyclin dependent kinase 12; plus strand). Cytogenetic location: 17q12.
Variant type: single nucleotide variant.
Coding change: c.1109G>A on transcript NM_016507.4 (MANE Select); coding-DNA position 1109, G replaced by A.
Protein change: p.Ser370Asn; replaces serine 370 with asparagine.
Molecular consequence: missense variant.
Genome position (GRCh38, 1-based): chr17:39,470,941, G>A. VCF-style: chr17-39470941-G-A. GRCh37 (hg19) VCF-style: chr17-37627194-G-A.
Other names: c.1109G>A, p.Ser370Asn (NM_015083.4); short protein forms S370N.
Identifiers: ClinVar variation 5034166 (VCV005034166.1).
Genomic context (GRCh38, chr17:39,470,941, plus strand): 5'-GGAAATCCATGAAGTCCAGAAGTAGAAGTCCTGCATATTCAAGACATTCATCTTCTCATA[G>A]TAAAAAGAAGAGATCCAGTTCACGCAGTCGTCATTCCAGTATCTCACCTGTCAGGCTTCC-3'
Protein context (NP_057591.2, residues 360-380): PAYSRHSSSH[Ser370Asn]KKKRSSSRSR

ClinVar aggregate classification (germline): Uncertain significance (1 of 4 stars; one submission).

Submission:

Ambry Genetics
Classification: Uncertain significance. Last evaluated: 2026-08-24. Review status: criteria provided, single submitter. Criteria: Ambry Variant Classification Scheme 2023. Collection method: clinical testing. Allele origin: germline.
Comment: The p.S370N variant (also known as c.1109G>A), located in coding exon 2 of the CDK12 gene, results from a G to A substitution at nucleotide position 1109. The serine at codon 370 is replaced by asparagine, an amino acid with highly similar properties. This amino acid position is conserved. In addition, this alteration is predicted to be tolerated by in silico analysis. Based on the available evidence, the clinical significance of this variant remains unclear.